The following is an entry in ClinVar:

NM_000038.6(APC):c.1549-9A>C

Gene: APC (APC regulator of Wnt signaling pathway; plus strand). Cytogenetic location: 5q22.2.
Variant type: single nucleotide variant.
Coding change: c.1549-9A>C on transcript NM_000038.6 (MANE Select); 9 bases into the intron before coding-DNA position 1549, A replaced by C.
Molecular consequence: intron variant.
Genome position (GRCh38, 1-based): chr5:112,827,920, A>C. VCF-style: chr5-112827920-A-C. GRCh37 (hg19) VCF-style: chr5-112163617-A-C.
Other names: c.1549-9A>C (NM_001354895.2, NM_001127510.3); c.1579-9A>C (NM_001354897.2); c.1276-9A>C (NM_001354902.2); c.1495-9A>C (NM_001127511.3); c.1474-9A>C (NM_001354898.2); c.1171-9A>C (NM_001354904.2); c.700-9A>C (NM_001354906.2); c.1603-9A>C (NM_001354896.2); and 5 more.
Identifiers: ClinVar variation 383200 (VCV000383200.16), dbSNP rs1057521553, ClinGen allele CA16604653.
Genomic context (GRCh38, chr5:112,827,920, plus strand): 5'-GTAGCCAAAAATAAAGCTTGGCTTCAAGTTGTCTTTTTAATGATCCTCTATTCTGTATTT[A>C]ATTTACAGGCTACGCTATGCTCTATGAAAGGCTGCATGAGAGCACTTGTGGCCCAACTAA-3'

ClinVar aggregate classification (germline): Likely benign. Review status: criteria provided, multiple submitters, no conflicts (2 of 4 stars). 4 submissions from 4 submitters: Likely benign (4). Last evaluated 2026-01-13.

Conditions:
Hereditary cancer-predisposing syndrome. Also called: Hereditary Cancer Syndrome; Hereditary neoplastic syndrome; Neoplastic Syndromes, Hereditary; Tumor predisposition. Identifiers: Orphanet 140162, MedGen C0027672, MeSH D009386, MONDO:0015356.
Familial adenomatous polyposis 1 (FAP1). Also called: FAMILIAL ADENOMATOUS POLYPOSIS 1, ATTENUATED; POLYPOSIS, ADENOMATOUS INTESTINAL. Identifiers: MedGen C2713442, MONDO:0021056, OMIM 175100. Disease mechanism: loss of function.

Allele frequency attached by ClinVar (database versions not stated): TOPMed below 0.00001; gnomAD 0.00001.
gnomAD v4.1: 1 of 1,611,542 alleles (0.000062%); highest among the groups gnomAD compares: Non-Finnish European, 0.000085%; no homozygotes.

Submissions (4):

Labcorp Genetics (formerly Invitae), Labcorp
Classification: Likely benign for Familial adenomatous polyposis 1. Last evaluated: 2026-01-13. Review status: criteria provided, single submitter. Criteria: Invitae Variant Classification Sherloc (09022015). Collection method: clinical testing. Allele origin: germline.

Myriad Genetics, Inc.
Classification: Likely benign for Familial adenomatous polyposis 1. Last evaluated: 2024-03-07. Review status: criteria provided, single submitter. Criteria: Myriad Autosomal Dominant, Autosomal Recessive and X-Linked Classification Criteria (2023). Collection method: clinical testing. Allele origin: unknown.
Comment: This variant is considered likely benign. This variant is intronic and is not expected to impact mRNA splicing.

Color Diagnostics, LLC DBA Color Health
Classification: Likely benign for Hereditary cancer-predisposing syndrome. Last evaluated: 2019-11-11. Review status: criteria provided, single submitter. Criteria: ACMG Guidelines, 2015. Collection method: clinical testing. Allele origin: germline.

GeneDx
Classification: Likely benign. Last evaluated: 2017-11-06. Review status: criteria provided, single submitter. Criteria: GeneDx Variant Classification (06012015). Collection method: clinical testing. Allele origin: germline. Affected: yes.
Comment: This variant is considered likely benign or benign based on one or more of the following criteria: it is a conservative change, it occurs at a poorly conserved position in the protein, it is predicted to be benign by multiple in silico algorithms, and/or has population frequency not consistent with disease.